The following is an entry in ClinVar:

ClinVar aggregate classification (germline): Uncertain significance. Review status: criteria provided, multiple submitters, no conflicts (2 of 4 stars). 3 submissions from 3 submitters: Uncertain significance (3). Last evaluated 2025-10-14.

Conditions:
Hereditary cancer-predisposing syndrome. Also called: Neoplastic Syndromes, Hereditary; Tumor predisposition; Hereditary neoplastic syndrome; Hereditary Cancer Syndrome. Identifiers: Orphanet 140162, MedGen C0027672, MeSH D009386, MONDO:0015356.
Familial adenomatous polyposis 1 (FAP1). Also called: POLYPOSIS, ADENOMATOUS INTESTINAL; FAMILIAL ADENOMATOUS POLYPOSIS 1, ATTENUATED. Identifiers: MedGen C2713442, MONDO:0021056, OMIM 175100. Disease mechanism: loss of function.

Submissions (3):

Labcorp Genetics (formerly Invitae), Labcorp
Classification: Uncertain significance for Familial adenomatous polyposis 1. Last evaluated: 2025-10-14. Review status: criteria provided, single submitter. Criteria: Invitae Variant Classification Sherloc (09022015). Collection method: clinical testing. Allele origin: germline.
Comment: This sequence change replaces serine, which is neutral and polar, with proline, which is neutral and non-polar, at codon 2365 of the APC protein (p.Ser2365Pro). This variant is not present in population databases (gnomAD no frequency). This variant has not been reported in the literature in individuals affected with APC-related conditions. ClinVar contains an entry for this variant (Variation ID: 826831). Invitae Evidence Modeling of protein sequence and biophysical properties (such as structural, functional, and spatial information, amino acid conservation, physicochemical variation, residue mobility, and thermodynamic stability) indicates that this missense variant is not expected to disrupt APC protein function with a negative predictive value of 95%. In summary, the available evidence is currently insufficient to determine the role of this variant in disease. Therefore, it has been classified as a Variant of Uncertain Significance.

Color Diagnostics, LLC DBA Color Health
Classification: Uncertain significance for Hereditary cancer-predisposing syndrome. Last evaluated: 2024-03-06. Review status: criteria provided, single submitter. Criteria: ACMG Guidelines, 2015. Collection method: clinical testing. Allele origin: germline.
Comment: This missense variant replaces serine with proline at codon 2365 of the APC protein. Computational prediction suggests that this variant may not impact protein structure and function (internally defined REVEL score threshold <= 0.5, PMID: 27666373). Splice site prediction tools suggest that this variant may not impact RNA splicing. To our knowledge, functional studies have not been performed for this variant. This variant has not been reported in individuals affected with hereditary cancer in the literature. This variant has not been identified in the general population by the Genome Aggregation Database (gnomAD). The available evidence is insufficient to determine the role of this variant in disease conclusively. Therefore, this variant is classified as a Variant of Uncertain Significance.

Ambry Genetics
Classification: Uncertain significance for Hereditary cancer-predisposing syndrome. Last evaluated: 2022-10-17. Review status: criteria provided, single submitter. Criteria: Ambry Variant Classification Scheme 2023. Collection method: clinical testing. Allele origin: germline.
Comment: The p.S2365P variant (also known as c.7093T>C), located in coding exon 15 of the APC gene, results from a T to C substitution at nucleotide position 7093. The serine at codon 2365 is replaced by proline, an amino acid with similar properties. This amino acid position is not well conserved in available vertebrate species. In addition, in silico predictors for this gene do not accurately predict pathogenicity. Since supporting evidence is limited at this time, the clinical significance of this alteration remains unclear.

NM_000038.6(APC):c.7093T>C (p.Ser2365Pro)

Gene: APC (APC regulator of Wnt signaling pathway; plus strand). Cytogenetic location: 5q22.2.
Variant type: single nucleotide variant.
Coding change: c.7093T>C on transcript NM_000038.6 (MANE Select); coding-DNA position 7093, T replaced by C.
Protein change: p.Ser2365Pro; replaces serine 2365 with proline.
Molecular consequence: missense variant.
Genome position (GRCh38, 1-based): chr5:112,842,687, T>C. VCF-style: chr5-112842687-T-C. GRCh37 (hg19) VCF-style: chr5-112178384-T-C.
Other names: c.7093T>C, p.Ser2365Pro (NM_001127510.3, NM_001354895.2); c.7039T>C, p.Ser2347Pro (NM_001127511.3); c.7147T>C, p.Ser2383Pro (NM_001354896.2); c.7123T>C, p.Ser2375Pro (NM_001354897.2); c.7018T>C, p.Ser2340Pro (NM_001354898.2); c.7009T>C, p.Ser2337Pro (NM_001354899.2); c.6970T>C, p.Ser2324Pro (NM_001354900.2); c.6916T>C, p.Ser2306Pro (NM_001354901.2); and 5 more; short protein forms S2205P, S2264P, S2340P, S2383P, S2082P, S2239P, S2306P, S2324P.
Identifiers: ClinVar variation 826831 (VCV000826831.10), dbSNP rs1580678353, ClinGen allele CA16036781.